The following is an entry in ClinVar:

ClinVar aggregate classification (germline): Conflicting classifications of pathogenicity. Review status: criteria provided, conflicting classifications (1 of 4 stars). 17 submissions from 17 submitters: Uncertain significance (6); Likely benign (9). 2 of the submissions do not count toward it. Last evaluated 2026-09-08.

Conditions:
ATM-related disorder. Also called: ATM-related disorders; ATM-related condition.
Breast and/or ovarian cancer. Identifiers: MedGen CN221562.
Hereditary cancer-predisposing syndrome. Also called: Neoplastic Syndromes, Hereditary; Tumor predisposition; Hereditary neoplastic syndrome; Hereditary Cancer Syndrome. Identifiers: Orphanet 140162, MedGen C0027672, MeSH D009386, MONDO:0015356.
Hereditary breast ovarian cancer syndrome. Also called: Breast and ovarian cancer; BRCA1- and BRCA2-Associated Hereditary Breast and Ovarian Cancer; Hereditary breast and/or ovarian cancer syndrome; Hereditary breast and ovarian cancer syndrome; Hereditary breast and ovarian cancer; Hereditary breast and ovarian cancer syndrome (HBOC). Identifiers: Orphanet 145, MedGen C0677776, MeSH D061325, MONDO:0003582. Disease mechanism: loss of function.
Familial cancer of breast. Also called: Hereditary breast cancer; hereditary breast carcinoma; BREAST CANCER, FAMILIAL. Identifiers: Orphanet 227535, MedGen C0346153, MONDO:0016419, OMIM 114480. Disease mechanism: loss of function.
Ataxia-telangiectasia syndrome (AT). Also called: Ataxia-telangiectasia, complementation group D; AT, COMPLEMENTATION GROUP C; Ataxia telangiectasia (A-T); LOUIS-BAR SYNDROME; Cerebello-oculocutaneous telangiectasia; Immunodeficiency with ataxia telangiectasia. Identifiers: Orphanet 100, MedGen C0004135, MONDO:0008840, OMIM 208900.
Malignant tumor of breast. Also called: Malignant breast neoplasm; Cancer breast. Identifiers: MedGen C0006142, MONDO:0007254. Disease mechanism: loss of function.

Allele frequency attached by ClinVar (database versions not stated): gnomAD 0.00003 and 0.00004; TOPMed 0.00006; ESP Exome Variant Server 0.00015.
gnomAD v4.1: 73 of 1,609,322 alleles (0.0045%); highest among the groups gnomAD compares: Admixed American, 0.04%; 1 homozygote.

Submissions 1 to 12 of 17:

German Consortium for Hereditary Breast and Ovarian Cancer, University Hospital Cologne
Classification: Likely benign for Hereditary breast ovarian cancer syndrome. Last evaluated: 2026-09-08. Review status: criteria provided, single submitter. Criteria: ClinGen ATM V1.5.0. Collection method: curation. Allele origin: germline.
Comment: This classification follows the ClinGen ACMG ATM v1.5.0 classification scheme; We chose these criteria: BP2 (supporting benign): 1 homozygot case (age 55-60) in gnomAD v.2.1 controls , BP4 (supporting benign): REVEL 0.151, SpliceAI 0.00

PreventionGenetics, part of Exact Sciences
Classification: Likely benign for ATM-related condition. Last evaluated: 2026-09-03. Review status: criteria provided, single submitter. Criteria: ACMG Guidelines, 2015. Collection method: clinical testing. Allele origin: germline.
Comment: This variant is classified as likely benign based on ACMG/AMP sequence variant interpretation guidelines (Richards et al. 2015 PMID: 25741868, with internal and published modifications).

CeGaT Center for Human Genetics Tuebingen
Classification: Likely benign. Last evaluated: 2026-09-01. Review status: criteria provided, single submitter. Criteria: CeGaT Center For Human Genetics Tuebingen Variant Classification Criteria Version 2. Collection method: clinical testing. Allele origin: germline. Affected: yes. Observed: 2 variant alleles.
Comment: ATM: BP4

Labcorp Genetics (formerly Invitae), Labcorp
Classification: Likely benign for Ataxia-telangiectasia syndrome. Last evaluated: 2026-02-03. Review status: criteria provided, single submitter. Criteria: Invitae Variant Classification Sherloc (09022015). Collection method: clinical testing. Allele origin: germline.

St. Jude Molecular Pathology, St. Jude Children's Research Hospital
Classification: Uncertain significance for Ataxia-telangiectasia syndrome. Last evaluated: 2025-06-17. Review status: criteria provided, single submitter. Criteria: St. Jude Assertion Criteria 2020. Collection method: clinical testing. Allele origin: germline.
Comment: The ATM c.1888G>A p.(Val630Met) missense change has a maximum subpopulation frequency of 0.04% in gnomAD v2.1.1, including 1 homozygote. The in silico tool REVEL predicts a benign effect on protein function, but to our knowledge this prediction has not been confirmed by functional studies. To our knowledge, this variant has not been reported in individuals with ataxia telangiectasia. In summary, the evidence currently available is insufficient to determine the clinical significance of this variant. It has therefore been classified as of uncertain significance.

Ambry Genetics
Classification: Likely benign for Hereditary cancer-predisposing syndrome. Last evaluated: 2025-06-05. Review status: criteria provided, single submitter. Criteria: Ambry Variant Classification Scheme 2023. Collection method: clinical testing. Allele origin: germline.

Center for Genomic Medicine, Rigshospitalet, Copenhagen University Hospital
Classification: Uncertain significance. Last evaluated: 2025-03-04. Review status: criteria provided, single submitter. Criteria: ACMG Guidelines, 2015. Collection method: clinical testing. Allele origin: germline.

Color Diagnostics, LLC DBA Color Health
Classification: Likely benign for Hereditary cancer-predisposing syndrome. Last evaluated: 2024-09-18. Review status: criteria provided, single submitter. Criteria: ACMG Guidelines, 2015. Collection method: clinical testing. Allele origin: germline.

Women's Health and Genetics/Laboratory Corporation of America, LabCorp
Classification: Likely benign. Last evaluated: 2024-08-01. Review status: criteria provided, single submitter. Criteria: LabCorp Variant Classification Summary - May 2015. Collection method: clinical testing. Allele origin: germline.
Comment: Variant summary: ATM c.1888G>A (p.Val630Met) results in a conservative amino acid change in the encoded protein sequence. Five of five in-silico tools predict a benign effect of the variant on protein function. The variant allele was found at a frequency of 0.0001 in 250420 control chromosomes, predominantly at a frequency of 0.00044 within the Latino subpopulation in the gnomAD database, including 1 homozygote. Though this frequency is somewhat lower than the maximum expected allele frequency for a pathogenic variant in ATM causing Breast Cancer (0.00044 vs 0.001), the occurrence in a homozygous healthy control individual supports a benign role for the variant. c.1888G>A has been reported in the literature in a patient affected with chronic lymphocytic leukemia (CLL), though it was unclear if the variant occurred in germline or somatic state (Jain_2016). The variant was also reported in individuals with personal- and/or family history of breast- and/or ovarian cancer (Tsaousis_2019, Weitzel_2019), however it was also reported in healthy controls (Tiao_2017, Momozawa_2018, Okawa_2023). In a recent large study evaluating breast cancer cases and controls in the Breast Cancer Association Consortium (BCAC), the variant was reported in 8/60466 cases, and in 1/53461 controls (Dorling_2021 through LOVD), of note however, the variant in this study was found at a much lower allele frequency in the control cohort than in larger population samples (i.e. gnomAD), therefore no conclusion can be made about association of the variant with disease based on only these data. To our knowledge, no experimental evidence demonstrating an impact on protein function has been reported. The following publications have been ascertained in the context of this evaluation (PMID: 28652578, 30287823, 31206626, 31159747, 27468087, 33471991, 36243179). ClinVar contains an entry for this variant (Variation ID: 141251). Based on the evidence outlined above, the variant was classified as likely benign.

Myriad Genetics, Inc.
Classification: Likely benign for Familial cancer of breast. Last evaluated: 2024-05-02. Review status: criteria provided, single submitter. Criteria: Myriad Autosomal Dominant, Autosomal Recessive and X-Linked Classification Criteria (2023). Collection method: clinical testing. Allele origin: unknown.
Comment: This variant is considered likely benign. This variant is strongly associated with less severe personal and family histories of cancer, typical for individuals without pathogenic variants in this gene [PMID: 25085752].

GeneDx
Classification: Uncertain significance. Last evaluated: 2023-05-02. Review status: criteria provided, single submitter. Criteria: GeneDx Variant Classification Process June 2021. Collection method: clinical testing. Allele origin: germline. Affected: yes.
Comment: Observed in individuals with a personal or family history of breast, ovarian, and other cancers, as well as in unaffected controls (Jain et al., 2016; Momozawa et al., 2018; Tsaousis et al., 2019; Weitzel et al., 2019; Mizukami et al., 2020); In silico analysis supports that this missense variant does not alter protein structure/function; This variant is associated with the following publications: (PMID: 27468087, 30287823, 31159747, 32980694, 31206626, 33471991, 28652578)

CHEO Genetics Diagnostic Laboratory, Children's Hospital of Eastern Ontario
Classification: Likely benign for Breast and/or ovarian cancer. Last evaluated: 2022-06-15. Review status: criteria provided, single submitter. Criteria: ACMG Guidelines, 2015. Collection method: clinical testing. Allele origin: germline.

NM_000051.4(ATM):c.1888G>A (p.Val630Met)

Gene: ATM (ATM serine/threonine kinase; plus strand). Cytogenetic location: 11q22.3.
Variant type: single nucleotide variant.
Coding change: c.1888G>A on transcript NM_000051.4 (MANE Select); coding-DNA position 1888, G replaced by A.
Protein change: p.Val630Met; replaces valine 630 with methionine.
Molecular consequence: missense variant.
Genome position (GRCh38, 1-based): chr11:108,252,902, G>A. VCF-style: chr11-108252902-G-A. GRCh37 (hg19) VCF-style: chr11-108123629-G-A.
Other names: c.1888G>A, p.Val630Met (NM_001351834.2); short protein forms V630M.
Identifiers: ClinVar variation 141251 (VCV000141251.71), dbSNP rs148191382, ClinGen allele CA164912.
Genomic context (GRCh38, chr11:108,252,902, plus strand): 5'-AAAATTCTTGTGAGTCTCACTATGAAAAACTGTAAAGCTGCAATGAATTTTTTCCAAAGC[G>A]TGCCAGAATGGTATGTTATCTAATAATGCTCTTTATCATTTTAAGCTATAGCTTTAATTA-3'
Protein context (NP_000042.3, residues 620-640): CKAAMNFFQS[Val630Met]PECEHHQKDK